The following is an entry in ClinVar:

NM_001017922.2(ERMAP):c.54C>T (p.Leu18=)

Gene: ERMAP (erythroblast membrane associated protein (Scianna blood group); plus strand). Cytogenetic location: 1p34.2.
Variant type: single nucleotide variant.
Coding change: c.54C>T on transcript NM_001017922.2 (MANE Select); coding-DNA position 54, C replaced by T.
Protein change: p.Leu18=; no amino-acid change (leucine 18 retained).
Molecular consequence: synonymous variant.
Genome position (GRCh38, 1-based): chr1:42,830,502, C>T. VCF-style: chr1-42830502-C-T. GRCh37 (hg19) VCF-style: chr1-43296173-C-T.
Other names: c.54C>T, p.Leu18= (NM_018538.4).
Identifiers: ClinVar variation 3058973 (VCV003058973.2), dbSNP rs33950227, ClinGen allele CA802663.
Genomic context (GRCh38, chr1:42,830,502, plus strand): 5'-AGTTCGGATGGAGATGGCGAGTTCTGCTGGCTCCTGGCTCTCTGGCTGCCTCATCCCTCT[C>T]GTCTTCCTCCGGCTGTCTGTGCATGTGTCAGGTAGGAGTTTCTGATCCTCTTTCCCTGCC-3'
Protein context (NP_001017922.1, residues 8-28): GSWLSGCLIP[Leu18=]VFLRLSVHVS

ClinVar aggregate classification (germline): Benign (0 of 4 stars; one submission).

Conditions:
ERMAP-related disorder. Also called: ERMAP-related condition.

Allele frequency attached by ClinVar (database versions not stated): 1000 Genomes Project 0.14637; 1000 Genomes Project 30x 0.15178; TOPMed 0.19116; ESP Exome Variant Server 0.20145; gnomAD 0.20472; ExAC 0.22262; gnomAD exomes 0.23855.
gnomAD v4.1: 378,237 of 1,613,398 alleles (23%); highest among the groups gnomAD compares: Admixed American, 26%; 47,097 homozygotes.

Submission:

PreventionGenetics, part of Exact Sciences
Classification: Benign for ERMAP-related condition. Last evaluated: 2019-10-21. Review status: no assertion criteria provided. Collection method: clinical testing. Allele origin: germline.
Comment: This variant is classified as benign based on ACMG/AMP sequence variant interpretation guidelines (Richards et al. 2015 PMID: 25741868, with internal and published modifications).